The following is an entry in ClinVar:

ClinVar aggregate classification (germline): Uncertain significance (1 of 4 stars; one submission).

gnomAD v4.1: 2 of 1,611,268 alleles (0.00012%); highest among the groups gnomAD compares: Non-Finnish European, 0.00017%; no homozygotes.

Submission:

Labcorp Genetics (formerly Invitae), Labcorp
Classification: Uncertain significance. Last evaluated: 2025-03-24. Review status: criteria provided, single submitter. Criteria: Invitae Variant Classification Sherloc (09022015). Collection method: clinical testing. Allele origin: germline.
Comment: This sequence change replaces aspartic acid, which is acidic and polar, with asparagine, which is neutral and polar, at codon 2032 of the KMT2A protein (p.Asp2032Asn). This variant is present in population databases (rs781795624, gnomAD 0.0009%). This variant has not been reported in the literature in individuals affected with KMT2A-related conditions. Invitae Evidence Modeling of protein sequence and biophysical properties (such as structural, functional, and spatial information, amino acid conservation, physicochemical variation, residue mobility, and thermodynamic stability) indicates that this missense variant is not expected to disrupt KMT2A protein function with a negative predictive value of 95%. In summary, the available evidence is currently insufficient to determine the role of this variant in disease. Therefore, it has been classified as a Variant of Uncertain Significance.

NM_001197104.2(KMT2A):c.6094G>A (p.Asp2032Asn)

Gene: KMT2A (lysine methyltransferase 2A; plus strand). Cytogenetic location: 11q23.3.
Variant type: single nucleotide variant.
Coding change: c.6094G>A on transcript NM_001197104.2 (MANE Select); coding-DNA position 6094, G replaced by A.
Protein change: p.Asp2032Asn; replaces aspartic acid 2032 with asparagine.
Molecular consequence: missense variant.
Genome position (GRCh38, 1-based): chr11:118,499,849, G>A. VCF-style: chr11-118499849-G-A. GRCh37 (hg19) VCF-style: chr11-118370564-G-A.
Other names: c.6184G>A, p.Asp2062Asn (NM_001412597.1); c.6085G>A, p.Asp2029Asn (NM_005933.4); short protein forms D2032N, D2062N, D2029N.
Identifiers: ClinVar variation 4771120 (VCV004771120.1).
Genomic context (GRCh38, chr11:118,499,849, plus strand): 5'-ATGACGCTCATAATCTTCTCTAATCGGTTCTTCTTTCCTTGGTCAGGGTCTATGACAATC[G>A]ACTGCTTAGGAATTCTAAATGATCTCTCCGACTGTGAAGATAAGCTCTTTCCTATTGGAT-3'
Protein context (NP_001184033.1, residues 2022-2042): IHMMIGSMTI[Asp2032Asn]CLGILNDLSD